The following is an entry in ClinVar:

ClinVar aggregate classification (germline): Uncertain significance (1 of 4 stars; one submission).

Submission:

Labcorp Genetics (formerly Invitae), Labcorp
Classification: Uncertain significance. Last evaluated: 2025-08-20. Review status: criteria provided, single submitter. Criteria: Invitae Variant Classification Sherloc (09022015). Collection method: clinical testing. Allele origin: germline.
Comment: This sequence change replaces glycine, which is neutral and non-polar, with phenylalanine, which is neutral and non-polar, at codon 446 of the NFKB1 protein (p.Gly446Phe). Information on the frequency of this variant in the gnomAD database is not available, as this variant may be reported differently in the database. This variant has not been reported in the literature in individuals affected with NFKB1-related conditions. An algorithm developed to predict the effect of missense changes on protein structure and function (PolyPhen-2) suggests that this variant is likely to be tolerated. In summary, the available evidence is currently insufficient to determine the role of this variant in disease. Therefore, it has been classified as a Variant of Uncertain Significance.

NM_003998.4(NFKB1):c.1336_1337delinsTT (p.Gly446Phe)

Gene: NFKB1 (nuclear factor kappa B subunit 1; plus strand). Cytogenetic location: 4q24.
Variant type: Indel.
Coding change: c.1336_1337delinsTT on transcript NM_003998.4 (MANE Select); coding-DNA positions 1336 to 1337, GG replaced by TT.
Protein change: p.Gly446Phe; replaces glycine 446 with phenylalanine.
Molecular consequence: missense variant.
Genome position (GRCh38, 1-based): chr4:102,596,173-102,596,174, GG replaced by TT. VCF-style: chr4-102596173-GG-TT. GRCh37 (hg19) VCF-style: chr4-103517330-GG-TT.
Other names: c.1333_1334delinsTT, p.Gly445Phe (NM_001165412.2, NM_001319226.2, NM_001382627.1); c.1336_1337delinsTT, p.Gly446Phe (NM_001382625.1, NM_001382626.1); c.1294_1295delinsTT, p.Gly432Phe (NM_001382628.1); short protein forms G445F, G432F, G446F.
Identifiers: ClinVar variation 4697069 (VCV004697069.1).